The following is an entry in ClinVar:

NM_001807.6(CEL):c.466_479del (p.Val156fs)

Gene: CEL (carboxyl ester lipase; plus strand). Cytogenetic location: 9q34.13.
Variant type: Deletion.
Coding change: c.466_479del on transcript NM_001807.6 (MANE Select); coding-DNA positions 466 to 479, 14 bases deleted (GTCATCGTGGTCAC).
Protein change: p.Val156fs; shifts the reading frame from valine 156.
Molecular consequence: frameshift variant.
Genome position (GRCh38, 1-based): chr9:133,065,165-133,065,178, GTCATCGTGGTCAC deleted; deleting any 14 consecutive bases within chr9:133,065,163-133,065,178 gives the same sequence; the c. name uses the placement nearest the transcript's 3' end. VCF-style (leftmost placement, unchanged base first): chr9-133065162-AACGTCATCGTGGTC-A. GRCh37 (hg19) VCF-style: chr9-135940549-AACGTCATCGTGGTC-A.
Other names: c.475_488del (NM_001807.3); c.475_488delGTCATCGTGGTCAC (NM_001807.3); short protein forms V156fs.
Identifiers: ClinVar variation 1201063 (VCV001201063.6), dbSNP rs572853045, ClinGen allele CA5303012.

ClinVar aggregate classification (germline): Conflicting classifications of pathogenicity. Review status: criteria provided, conflicting classifications (1 of 4 stars). 3 submissions from 3 submitters: Uncertain significance (2); Likely benign (1). Last evaluated 2024-07-26.

Conditions:
Maturity-onset diabetes of the young type 8 (MODY8). Also called: DIABETES AND PANCREATIC EXOCRINE DYSFUNCTION; DIABETES-PANCREATIC EXOCRINE DYSFUNCTION SYNDROME. Identifiers: Orphanet 552, MedGen C1853297, MONDO:0012348, OMIM 609812.

Submissions (3):

GeneDx
Classification: Uncertain significance. Last evaluated: 2024-07-26. Review status: criteria provided, single submitter. Criteria: GeneDx Variant Classification Process June 2021. Collection method: clinical testing. Allele origin: germline. Affected: yes.
Comment: Has not been previously published as pathogenic or benign to our knowledge; Frameshift variant predicted to result in protein truncation or nonsense mediated decay in a gene or region of a gene for which loss of function is not a well-established mechanism of disease

Fulgent Genetics
Classification: Likely benign for Maturity-onset diabetes of the young type 8. Last evaluated: 2024-01-24. Review status: criteria provided, single submitter. Criteria: ACMG Guidelines, 2015. Collection method: clinical testing. Allele origin: germline.

AiLife Diagnostics
Classification: Uncertain significance. Last evaluated: 2022-02-09. Review status: criteria provided, single submitter. Criteria: ACMG Guidelines, 2015. Collection method: clinical testing. Allele origin: germline. Affected: yes. Observed: 1 variant allele.